The following is an entry in ClinVar:

NM_020921.4(NIN):c.1370A>G (p.Gln457Arg)

Gene: NIN (ninein; minus strand). Cytogenetic location: 14q22.1.
Variant type: single nucleotide variant.
Coding change: c.1370A>G on transcript NM_020921.4 (MANE Select); coding-DNA position 1370, A replaced by G.
Protein change: p.Gln457Arg; replaces glutamine 457 with arginine.
Molecular consequence: missense variant.
Genome position (GRCh38, 1-based): chr14:50,770,452, T>C on the plus strand (A>G on the coding strand, the complement: NIN is on the minus strand). VCF-style: chr14-50770452-T-C. GRCh37 (hg19) VCF-style: chr14-51237170-T-C.
Other names: c.1370A>G, p.Gln457Arg (NM_016350.5, NM_182944.3, NM_182946.2); short protein forms Q457R.
Identifiers: ClinVar variation 2057299 (VCV002057299.4), dbSNP rs747774884, ClinGen allele CA7182217.
Genomic context (GRCh38, chr14:50,770,452, plus strand): 5'-AAAGAGAGGGCAAGGCGGTCCCGGATATAGTTCTCTTCTGTTTTTGCCTTTTCAATTTCC[T>C]GTTCAAGTTCTAAACGCTGCTTGCCTGCCTGCTGCAGGATCTGCTCTCTCTCTTTTCGGA-3'
Protein context (NP_065972.4, residues 447-467): QAGKQRLELE[Gln457Arg]EIEKAKTEEN

ClinVar aggregate classification (germline): Uncertain significance (1 of 4 stars; one submission).

Allele frequency attached by ClinVar (database versions not stated): gnomAD exomes 0.00001; ExAC 0.00004.
gnomAD v4.1: 7 of 1,614,256 alleles (0.00043%); highest among the groups gnomAD compares: Non-Finnish European, 0.00059%; no homozygotes.

Submission:

Labcorp Genetics (formerly Invitae), Labcorp
Classification: Uncertain significance. Last evaluated: 2022-08-16. Review status: criteria provided, single submitter. Criteria: Invitae Variant Classification Sherloc (09022015). Collection method: clinical testing. Allele origin: germline.
Comment: This variant is present in population databases (rs747774884, gnomAD 0.004%). This sequence change replaces glutamine, which is neutral and polar, with arginine, which is basic and polar, at codon 457 of the NIN protein (p.Gln457Arg). In summary, the available evidence is currently insufficient to determine the role of this variant in disease. Therefore, it has been classified as a Variant of Uncertain Significance. Algorithms developed to predict the effect of missense changes on protein structure and function output the following: SIFT: "Deleterious"; PolyPhen-2: "Benign"; Align-GVGD: "Class C0". The arginine amino acid residue is found in multiple mammalian species, which suggests that this missense change does not adversely affect protein function. This variant has not been reported in the literature in individuals affected with NIN-related conditions.